The following is an entry in ClinVar:

NM_003737.4(DCHS1):c.921C>T (p.Ile307=)

Gene: DCHS1 (dachsous cadherin-related 1; minus strand). Cytogenetic location: 11p15.4.
Variant type: single nucleotide variant.
Coding change: c.921C>T on transcript NM_003737.4 (MANE Select); coding-DNA position 921, C replaced by T.
Protein change: p.Ile307=; no amino-acid change (isoleucine 307 retained).
Molecular consequence: synonymous variant.
Genome position (GRCh38, 1-based): chr11:6,640,693, G>A on the plus strand (C>T on the coding strand, the complement: DCHS1 is on the minus strand). VCF-style: chr11-6640693-G-A. GRCh37 (hg19) VCF-style: chr11-6661924-G-A.
Identifiers: ClinVar variation 724636 (VCV000724636.11), dbSNP rs201398426, ClinGen allele CA5861064.

ClinVar aggregate classification (germline): Likely benign. Review status: criteria provided, single submitter (1 of 4 stars). 2 submissions from 2 submitters: Likely benign (1). 1 of the submissions does not count toward it. Last evaluated 2026-01-25.

Conditions:
DCHS1-related disorder. Also called: DCHS1-related condition.

Allele frequency attached by ClinVar (database versions not stated): gnomAD 0.00003 and 0.00005; ExAC 0.00004; TOPMed 0.00004; ESP Exome Variant Server 0.00008; gnomAD exomes 0.00008; 1000 Genomes Project 30x 0.00016; 1000 Genomes Project 0.00020.
gnomAD v4.1: 38 of 1,613,552 alleles (0.0024%); highest among the groups gnomAD compares: Admixed American, 0.048%; no homozygotes.

Submissions (2):

Labcorp Genetics (formerly Invitae), Labcorp
Classification: Likely benign. Last evaluated: 2026-01-25. Review status: criteria provided, single submitter. Criteria: Invitae Variant Classification Sherloc (09022015). Collection method: clinical testing. Allele origin: germline.

PreventionGenetics, part of Exact Sciences
Classification: Likely benign for DCHS1-related condition. Last evaluated: 2022-11-21. Review status: no assertion criteria provided. Collection method: clinical testing. Allele origin: germline. Not counted in ClinVar's aggregate classification.
Comment: This variant is classified as likely benign based on ACMG/AMP sequence variant interpretation guidelines (Richards et al. 2015 PMID: 25741868, with internal and published modifications).